The following is an entry in ClinVar:

NM_020549.5(CHAT):c.1635-5C>A

Gene: CHAT (choline O-acetyltransferase; plus strand). Cytogenetic location: 10q11.23.
Variant type: single nucleotide variant.
Coding change: c.1635-5C>A on transcript NM_020549.5 (MANE Select); 5 bases into the intron before coding-DNA position 1635, C replaced by A.
Molecular consequence: intron variant.
Genome position (GRCh38, 1-based): chr10:49,655,090, C>A. VCF-style: chr10-49655090-C-A. GRCh37 (hg19) VCF-style: chr10-50863136-C-A.
Other names: c.1281-5C>A (NM_020984.4, NM_020985.4, NM_020986.4 and 2 more transcripts); c.1389-5C>A (NM_001142933.2).
Identifiers: ClinVar variation 585664 (VCV000585664.4), dbSNP rs776745899, ClinGen allele CA593780874.

ClinVar aggregate classification (germline): Uncertain significance. Review status: criteria provided, multiple submitters, no conflicts (2 of 4 stars). 2 submissions from 2 submitters: Uncertain significance (2). Last evaluated 2022-03-22.

Conditions:
Familial infantile myasthenia (CMS6). Also called: MYASTHENIC SYNDROME, CONGENITAL, 6, PRESYNAPTIC; Congenital myasthenic syndrome type 6; MYASTHENIC SYNDROME, PRESYNAPTIC, CONGENITAL, ASSOCIATED WITH EPISODIC APNEA. Identifiers: Orphanet 590, MedGen C0393929, MONDO:0009689, OMIM 254210.

Allele frequency attached by ClinVar (database versions not stated): gnomAD 0.00003.
gnomAD v4.1: 8 of 1,614,086 alleles (0.0005%); highest among the groups gnomAD compares: Non-Finnish European, 0.00068%; no homozygotes.

Submissions (2):

Labcorp Genetics (formerly Invitae), Labcorp
Classification: Uncertain significance for Familial infantile myasthenia. Last evaluated: 2022-03-22. Review status: criteria provided, single submitter. Criteria: Invitae Variant Classification Sherloc (09022015). Collection method: clinical testing. Allele origin: germline.
Comment: This sequence change falls in intron 11 of the CHAT gene. It does not directly change the encoded amino acid sequence of the CHAT protein. This variant is present in population databases (no rsID available, gnomAD 0.002%). This variant has not been reported in the literature in individuals affected with CHAT-related conditions. ClinVar contains an entry for this variant (Variation ID: 585664). Algorithms developed to predict the effect of sequence changes on RNA splicing suggest that this variant may create or strengthen a splice site. In summary, the available evidence is currently insufficient to determine the role of this variant in disease. Therefore, it has been classified as a Variant of Uncertain Significance.

Athena Diagnostics
Classification: Uncertain significance. Last evaluated: 2018-03-12. Review status: criteria provided, single submitter. Criteria: Athena Diagnostics Criteria. Collection method: clinical testing. Allele origin: germline.